The following is an entry in ClinVar:

ClinVar aggregate classification (germline): Uncertain significance (1 of 4 stars; one submission).

Conditions:
Genitopatellar syndrome (GTPTS). Also called: Genitopatellar syndrome (GPS); ABSENT PATELLAE, SCROTAL HYPOPLASIA, RENAL ANOMALIES, FACIAL DYSMORPHISM, AND MENTAL RETARDATION. Identifiers: Orphanet 85201, MedGen C1853566, MONDO:0011640, OMIM 606170.

gnomAD v4.1: 1 of 1,586,808 alleles (0.000063%); highest among the groups gnomAD compares: East Asian, 0.0022%; no homozygotes.

Submission:

Labcorp Genetics (formerly Invitae), Labcorp
Classification: Uncertain significance for Genitopatellar syndrome. Last evaluated: 2025-04-17. Review status: criteria provided, single submitter. Criteria: Invitae Variant Classification Sherloc (09022015). Collection method: clinical testing. Allele origin: germline.
Comment: This sequence change falls in intron 3 of the KAT6B gene. It does not directly change the encoded amino acid sequence of the KAT6B protein. It affects a nucleotide within the consensus splice site. This variant is not present in population databases (gnomAD no frequency). This variant has not been reported in the literature in individuals affected with KAT6B-related conditions. Variants that disrupt the consensus splice site are a relatively common cause of aberrant splicing (PMID: 17576681, 9536098). Algorithms developed to predict the effect of sequence changes on RNA splicing suggest that this variant is not likely to affect RNA splicing. In summary, the available evidence is currently insufficient to determine the role of this variant in disease. Therefore, it has been classified as a Variant of Uncertain Significance.

Literature cited by the submitters: PubMed 17576681; PubMed 9536098.

NM_012330.4(KAT6B):c.622-3T>C

Gene: KAT6B (lysine acetyltransferase 6B; plus strand). Cytogenetic location: 10q22.2.
Variant type: single nucleotide variant.
Coding change: c.622-3T>C on transcript NM_012330.4 (MANE Select); 3 bases into the intron before coding-DNA position 622, T replaced by C.
Molecular consequence: intron variant.
Genome position (GRCh38, 1-based): chr10:74,959,967, T>C. VCF-style: chr10-74959967-T-C. GRCh37 (hg19) VCF-style: chr10-76719725-T-C.
Other names: c.622-3T>C (NM_001370139.1, NM_001370136.1, NM_001370138.1 and 10 more transcripts); c.84-3T>C (NM_001370134.1, NM_001370135.1).
Identifiers: ClinVar variation 4749536 (VCV004749536.1).